The following is an entry in ClinVar:

ClinVar aggregate classification (germline): Uncertain significance. Review status: criteria provided, multiple submitters, no conflicts (2 of 4 stars). 3 submissions from 3 submitters: Uncertain significance (3). Last evaluated 2025-07-21.

Allele frequency attached by ClinVar (database versions not stated): gnomAD exomes 0.00003 and 0.00004; TOPMed 0.00004; ExAC 0.00005; gnomAD 0.00007; 1000 Genomes Project 30x 0.00016; 1000 Genomes Project 0.00020.

Submissions (3):

Revvity Omics, Revvity
Classification: Uncertain significance. Last evaluated: 2025-07-21. Review status: criteria provided, single submitter. Criteria: ACMG Guidelines, 2015. Collection method: clinical testing. Allele origin: germline.

Blueprint Genetics
Classification: Uncertain significance. Last evaluated: 2024-08-30. Review status: criteria provided, single submitter. Criteria: ACMG Guidelines, 2015. Collection method: clinical testing. Allele origin: germline.

Labcorp Genetics (formerly Invitae), Labcorp
Classification: Uncertain significance. Last evaluated: 2023-07-07. Review status: criteria provided, single submitter. Criteria: Invitae Variant Classification Sherloc (09022015). Collection method: clinical testing. Allele origin: germline.
Comment: This sequence change replaces arginine, which is basic and polar, with cysteine, which is neutral and slightly polar, at codon 717 of the SPTB protein (p.Arg717Cys). This variant is present in population databases (rs538347576, gnomAD 0.01%). This variant has not been reported in the literature in individuals affected with SPTB-related conditions. ClinVar contains an entry for this variant (Variation ID: 313751). An algorithm developed to predict the effect of missense changes on protein structure and function (PolyPhen-2) suggests that this variant is likely to be tolerated. In summary, the available evidence is currently insufficient to determine the role of this variant in disease. Therefore, it has been classified as a Variant of Uncertain Significance.

NM_001355436.2(SPTB):c.2149C>T (p.Arg717Cys)

Gene: SPTB (spectrin beta, erythrocytic; minus strand). Cytogenetic location: 14q23.3.
Variant type: single nucleotide variant.
Coding change: c.2149C>T on transcript NM_001355436.2 (MANE Select); coding-DNA position 2149, C replaced by T.
Protein change: p.Arg717Cys; replaces arginine 717 with cysteine.
Molecular consequence: missense variant.
Genome position (GRCh38, 1-based): chr14:64,793,514, G>A on the plus strand (C>T on the coding strand, the complement: SPTB is on the minus strand). VCF-style: chr14-64793514-G-A. GRCh37 (hg19) VCF-style: chr14-65260232-G-A.
Other names: c.2149C>T, p.Arg717Cys (NM_001024858.4, NM_001355437.2); short protein forms R717C.
Identifiers: ClinVar variation 313751 (VCV000313751.11), dbSNP rs538347576, ClinGen allele CA7230932.
Genomic context (GRCh38, chr14:64,793,514, plus strand): 5'-TCTTGCAGAAGGCAGCCAGGTCCTTCAGCTGGTCCCACTGTGCCGACACCTCCTTTATGC[G>A]GGCCTCGATCTGCGGGTGCCCAAACTGCTTGCGCGCAACCATGCCATGAGCCTCCTGGAA-3'
Protein context (NP_001342365.1, residues 707-727): KQFGHPQIEA[Arg717Cys]IKEVSAQWDQ